The following is an entry in ClinVar:

NM_000245.4(MET):c.1953A>G (p.Thr651=)

Gene: MET (MET proto-oncogene, receptor tyrosine kinase; plus strand). Cytogenetic location: 7q31.2.
Variant type: single nucleotide variant.
Coding change: c.1953A>G on transcript NM_000245.4 (MANE Select); coding-DNA position 1953, A replaced by G.
Protein change: p.Thr651=; no amino-acid change (threonine 651 retained).
Molecular consequence: synonymous variant.
Genome position (GRCh38, 1-based): chr7:116,757,527, A>G. VCF-style: chr7-116757527-A-G. GRCh37 (hg19) VCF-style: chr7-116397581-A-G.
Other names: c.1953A>G, p.Thr651= (NM_001127500.3, NM_001324401.3); c.663A>G, p.Thr221= (NM_001324402.2).
Identifiers: ClinVar variation 1131068 (VCV001131068.12), dbSNP rs2116921218, ClinGen allele CA457216442.

ClinVar aggregate classification (germline): Conflicting classifications of pathogenicity. Review status: criteria provided, conflicting classifications (1 of 4 stars). 2 submissions from 2 submitters: Uncertain significance (1); Likely benign (1). Last evaluated 2025-03-06.

Conditions:
Renal cell carcinoma. Identifiers: Orphanet 217071, MedGen C0007134, MeSH D002292, MONDO:0005086, HP:0005584.
Hereditary cancer-predisposing syndrome. Also called: Neoplastic Syndromes, Hereditary; Hereditary Cancer Syndrome; Tumor predisposition; Hereditary neoplastic syndrome. Identifiers: Orphanet 140162, MedGen C0027672, MeSH D009386, MONDO:0015356.

Submissions (2):

Ambry Genetics
Classification: Uncertain significance for Hereditary cancer-predisposing syndrome. Last evaluated: 2025-03-06. Review status: criteria provided, single submitter. Criteria: Ambry Variant Classification Scheme 2023. Collection method: clinical testing. Allele origin: germline.
Comment: The c.1953A>G variant (also known as p.T651T), located in coding exon 6 of the MET gene, results from an A to G substitution at nucleotide position 1953. This nucleotide substitution does not change the amino acid at codon 651. This nucleotide position is not well conserved in available vertebrate species. In silico splice site analysis predicts that this alteration will result in the creation or strengthening of a novel splice donor site. Based on the available evidence, the clinical significance of this variant remains unclear.

Labcorp Genetics (formerly Invitae), Labcorp
Classification: Likely benign for Renal cell carcinoma. Last evaluated: 2023-08-04. Review status: criteria provided, single submitter. Criteria: Invitae Variant Classification Sherloc (09022015). Collection method: clinical testing. Allele origin: germline.